The following is an entry in ClinVar:

ClinVar aggregate classification (germline): Uncertain significance (1 of 4 stars; one submission).

gnomAD v4.1: 1 of 1,608,912 alleles (0.000062%); highest among the groups gnomAD compares: South Asian, 0.0011%; no homozygotes.

Submission:

GeneDx
Classification: Uncertain significance. Last evaluated: 2025-03-11. Review status: criteria provided, single submitter. Criteria: GeneDx Variant Classification Process June 2021. Collection method: clinical testing. Allele origin: germline. Affected: yes.
Comment: Not observed at significant frequency in large population cohorts (gnomAD); In silico analysis supports a deleterious effect on splicing; Has not been previously published as pathogenic or benign to our knowledge

NM_024596.5(MCPH1):c.234-9A>G

Gene: MCPH1 (microcephalin 1; plus strand). Cytogenetic location: 8p23.1.
Variant type: single nucleotide variant.
Coding change: c.234-9A>G on transcript NM_024596.5 (MANE Select); 9 bases into the intron before coding-DNA position 234, A replaced by G.
Molecular consequence: intron variant.
Genome position (GRCh38, 1-based): chr8:6,431,490, A>G. VCF-style: chr8-6431490-A-G. GRCh37 (hg19) VCF-style: chr8-6289011-A-G.
Other names: c.234-9A>G (NM_001322042.2, NM_001363980.2, NM_001363979.1 and 4 more transcripts); c.228-9A>G (NM_001322043.2); c.132-9A>G (NM_001322045.2).
Identifiers: ClinVar variation 4083142 (VCV004083142.1).